The following is an entry in ClinVar:

NM_020778.5(ALPK3):c.3466C>T (p.Pro1156Ser)

Gene: ALPK3 (alpha kinase 3; plus strand). Cytogenetic location: 15q25.3.
Variant type: single nucleotide variant.
Coding change: c.3466C>T on transcript NM_020778.5 (MANE Select); coding-DNA position 3466, C replaced by T.
Protein change: p.Pro1156Ser; replaces proline 1156 with serine.
Molecular consequence: missense variant.
Genome position (GRCh38, 1-based): chr15:84,858,204, C>T. VCF-style: chr15-84858204-C-T. GRCh37 (hg19) VCF-style: chr15-85401435-C-T.
Other names: c.4072C>T (NM_020778.4); short protein forms P1156S.
Identifiers: ClinVar variation 1435694 (VCV001435694.12), dbSNP rs772697378, ClinGen allele CA7709638.

ClinVar aggregate classification (germline): Uncertain significance. Review status: criteria provided, multiple submitters, no conflicts (2 of 4 stars). 4 submissions from 4 submitters: Uncertain significance (4). Last evaluated 2025-12-23.

Conditions:
ALPK3-related disorder. Also called: ALPK3-related condition.
Cardiovascular phenotype. Identifiers: MedGen CN230736.

Allele frequency attached by ClinVar (database versions not stated): TOPMed 0.00003; gnomAD exomes 0.00007 and 0.00003; gnomAD 0.00002; ExAC 0.00003.
gnomAD v4.1: 106 of 1,612,644 alleles (0.0066%); highest among the groups gnomAD compares: Non-Finnish European, 0.0088%; no homozygotes.

Submissions (4):

PreventionGenetics, part of Exact Sciences
Classification: Uncertain significance for ALPK3-related condition. Last evaluated: 2025-12-23. Review status: criteria provided, single submitter. Criteria: ACMG Guidelines, 2015. Collection method: clinical testing. Allele origin: germline.
Comment: The ALPK3 c.4072C>T variant is predicted to result in the amino acid substitution p.Pro1358Ser. To our knowledge, this variant has not been reported in the literature. This variant is reported in 0.0063% of alleles in individuals of European (Non-Finnish) descent in gnomAD. At this time, the clinical significance of this variant is uncertain due to the absence of conclusive functional and genetic evidence.

Labcorp Genetics (formerly Invitae), Labcorp
Classification: Uncertain significance. Last evaluated: 2025-12-02. Review status: criteria provided, single submitter. Criteria: Invitae Variant Classification Sherloc (09022015). Collection method: clinical testing. Allele origin: germline.
Comment: This sequence change replaces proline, which is neutral and non-polar, with serine, which is neutral and polar, at codon 1358 of the ALPK3 protein (p.Pro1358Ser). This variant is present in population databases (rs772697378, gnomAD 0.006%). This variant has not been reported in the literature in individuals affected with ALPK3-related conditions. ClinVar contains an entry for this variant (Variation ID: 1435694). Invitae Evidence Modeling of protein sequence and biophysical properties (such as structural, functional, and spatial information, amino acid conservation, physicochemical variation, residue mobility, and thermodynamic stability) indicates that this missense variant is expected to disrupt ALPK3 protein function with a positive predictive value of 80%. In summary, the available evidence is currently insufficient to determine the role of this variant in disease. Therefore, it has been classified as a Variant of Uncertain Significance.

Ambry Genetics
Classification: Uncertain significance for Cardiovascular phenotype. Last evaluated: 2025-08-12. Review status: criteria provided, single submitter. Criteria: Ambry Variant Classification Scheme 2023. Collection method: clinical testing. Allele origin: germline.
Comment: The p.P1358S variant (also known as c.4072C>T), located in coding exon 6 of the ALPK3 gene, results from a C to T substitution at nucleotide position 4072. The proline at codon 1358 is replaced by serine, an amino acid with similar properties. This amino acid position is conserved. In addition, the in silico prediction for this alteration is inconclusive. Since supporting evidence is limited at this time, the clinical significance of this alteration remains unclear.

Blueprint Genetics
Classification: Uncertain significance. Last evaluated: 2024-05-28. Review status: criteria provided, single submitter. Criteria: ACMG Guidelines, 2015. Collection method: clinical testing. Allele origin: germline.